The following is an entry in ClinVar:

ClinVar aggregate classification (germline): Benign/Likely benign. Review status: criteria provided, multiple submitters, no conflicts (2 of 4 stars). 5 submissions from 5 submitters: Benign (1); Likely benign (3). 1 of the submissions does not count toward it. Last evaluated 2026-01-04.

Conditions:
Rhizomelic chondrodysplasia punctata type 3 (RCDP3). Also called: Alkylglycerone Phosphate Synthase (AGPS) deficiency; ALKYLDIHYDROXYACETONEPHOSPHATE SYNTHASE DEFICIENCY. Identifiers: Orphanet 177, Orphanet 309803, MedGen C1838612, MONDO:0010823, OMIM 600121. Disease mechanism: loss of function.

Allele frequency attached by ClinVar (database versions not stated): gnomAD 0.00005 and 0.00021; TOPMed 0.00008; 1000 Genomes Project 0.00180; 1000 Genomes Project 30x 0.00187; ExAC 0.00334.
gnomAD v4.1: 534 of 1,551,206 alleles (0.034%); highest among the groups gnomAD compares: South Asian, 0.48%; 4 homozygotes.

Submissions (5):

Labcorp Genetics (formerly Invitae), Labcorp
Classification: Benign. Last evaluated: 2026-01-04. Review status: criteria provided, single submitter. Criteria: Invitae Variant Classification Sherloc (09022015). Collection method: clinical testing. Allele origin: germline.

Blueprint Genetics
Classification: Likely benign. Last evaluated: 2024-08-28. Review status: criteria provided, single submitter. Criteria: ACMG Guidelines, 2015. Collection method: clinical testing. Allele origin: germline.

Illumina Laboratory Services, Illumina
Classification: Likely benign for Rhizomelic chondrodysplasia punctata type 3. Last evaluated: 2018-01-13. Review status: criteria provided, single submitter. Criteria: ICSL Variant Classification Criteria 13 December 2019. Collection method: clinical testing. Allele origin: germline.
Comment: This variant was observed in the ICSL laboratory as part of a predisposition screen in an ostensibly healthy population. It had not been previously curated by ICSL or reported in the Human Gene Mutation Database (HGMD: prior to June 1st, 2018), and was therefore a candidate for classification through an automated scoring system. Utilizing variant allele frequency, disease prevalence and penetrance estimates, and inheritance mode, an automated score was calculated to assess if this variant is too frequent to cause the disease. Based on the score and internal cut-off values, a variant classified as likely benign is not then subjected to further curation. The score for this variant resulted in a classification of likely benign for this disease.

GeneDx
Classification: Likely benign. Last evaluated: 2016-05-19. Review status: criteria provided, single submitter. Criteria: GeneDx Variant Classification (06012015). Collection method: clinical testing. Allele origin: germline. Affected: yes.
Comment: This variant is considered likely benign or benign based on one or more of the following criteria: it is a conservative change, it occurs at a poorly conserved position in the protein, it is predicted to be benign by multiple in silico algorithms, and/or has population frequency not consistent with disease.

Natera, Inc.
Classification: Benign for Rhizomelic chondrodysplasia punctata, type 3. Last evaluated: 2019-10-22. Review status: no assertion criteria provided. Collection method: clinical testing. Allele origin: germline. Not counted in ClinVar's aggregate classification.

NM_003659.4(AGPS):c.35G>A (p.Gly12Asp)

Genes: AGPS (alkylglycerone phosphate synthase; plus strand), LOC129935172 (ATAC-STARR-seq lymphoblastoid silent region 12147; plus strand). Cytogenetic location: 2q31.2.
Variant type: single nucleotide variant.
Coding change: c.35G>A on transcript NM_003659.4 (MANE Select); coding-DNA position 35, G replaced by A.
Protein change: p.Gly12Asp; replaces glycine 12 with aspartic acid.
Molecular consequence: missense variant.
Genome position (GRCh38, 1-based): chr2:177,392,824, G>A. VCF-style: chr2-177392824-G-A. GRCh37 (hg19) VCF-style: chr2-178257552-G-A.
Other names: short protein forms G12D.
Identifiers: ClinVar variation 332509 (VCV000332509.19), dbSNP rs557931141, ClinGen allele CA1979992.